The following is an entry in ClinVar:

ClinVar aggregate classification (germline): Pathogenic. Review status: criteria provided, multiple submitters, no conflicts (2 of 4 stars). 15 submissions from 15 submitters: Pathogenic (13). 2 of the submissions do not count toward it. Last evaluated 2025-11-28.

Conditions:
Retinitis pigmentosa (RP). Identifiers: Orphanet 791, MedGen C0035334, MeSH D012174, MONDO:0019200, OMIM 268000. Inheritance: Autosomal dominant, autosomal recessive and X linked inheritance.
EYS-related disorder. Also called: EYS-related condition.
Retinal dystrophy. Also called: Inherited retinal dystrophy. Identifiers: Orphanet 71862, MedGen C0854723, MeSH D058499, MONDO:0019118, HP:0000556.
Retinitis pigmentosa 25 (RP25). Identifiers: Orphanet 791, MedGen C1864446, MONDO:0011272, OMIM 602772.

Allele frequency attached by ClinVar (database versions not stated): gnomAD 0.00002 and 0.00013; TOPMed 0.00002; gnomAD exomes 0.00003; 1000 Genomes Project 30x 0.00109; 1000 Genomes Project 0.00140.
gnomAD v4.1: 383 of 1,551,158 alleles (0.025%); highest among the groups gnomAD compares: East Asian, 0.93%; 2 homozygotes.

Submissions 1 to 9 of 15:

Ophthalmology, Kobe City Eye Hospital
Classification: Pathogenic for Retinitis pigmentosa 25. Last evaluated: 2025-11-28. Review status: criteria provided, single submitter. Criteria: Fujinami et al. (Jpn J Ophthalmol. 2024). Collection method: research. Allele origin: germline. Affected: yes. Observed: 13 variant alleles.
Comment: This variant was classified according to the ACMG/AMP guidelines. PM2_Moderate: This variant is absent or extremely rare in large population databases such as gnomAD, consistent with a recessive disease mechanism. PM3_Moderate: This variant was identified in trans with a pathogenic EYS variant in an affected individual from our cohort, providing moderate evidence for pathogenicity. PM5_Supporting: This missense change occurs at a residue where a different pathogenic amino acid substitution has been previously reported, supporting involvement of this codon in disease. PP3_Supporting: Multiple computational prediction tools support a deleterious effect on protein structure or function. PP1_Supporting: The variant shows cosegregation with disease in multiple affected family members, providing supporting evidence for pathogenicity. PP5_VeryStrong: A reputable source reports this variant as pathogenic, providing very strong evidence supporting pathogenicity(PMID:29785639). Based on PP5_VeryStrong, PM2_Moderate, PM3_Moderate, PM5_Supporting, PP3_Supporting, and PP1_Supporting, this variant is classified as pathogenic.

GeneDx
Classification: Pathogenic. Last evaluated: 2025-09-25. Review status: criteria provided, single submitter. Criteria: GeneDx Variant Classification Process June 2021. Collection method: clinical testing. Allele origin: germline. Affected: yes.
Comment: In silico analysis, which includes protein predictors and evolutionary conservation, supports a deleterious effect; This variant is associated with the following publications: (PMID: 22302105, 29785639, 36729443, 36819107, 34906470, 33691693, 34721897, 31253780, 31054281, 31814702, 33946315, 30718709, 33247286, 32218477, 22363543, 32079136, 36284460, 35109811, 33514863)

Labcorp Genetics (formerly Invitae), Labcorp
Classification: Pathogenic. Last evaluated: 2025-08-21. Review status: criteria provided, single submitter. Criteria: Invitae Variant Classification Sherloc (09022015). Collection method: clinical testing. Allele origin: germline.
Comment: This sequence change replaces glycine, which is neutral and non-polar, with glutamic acid, which is acidic and polar, at codon 843 of the EYS protein (p.Gly843Glu). This variant is present in population databases (rs74419361, gnomAD 0.04%). This missense change has been observed in individual(s) with retinitis pigmentosa (PMID: 22302105, 22363543, 29785639, 31814702; internal data). In at least one individual the data is consistent with being in trans (on the opposite chromosome) from a pathogenic variant. It has also been observed to segregate with disease in related individuals. ClinVar contains an entry for this variant (Variation ID: 636026). Invitae Evidence Modeling of protein sequence and biophysical properties (such as structural, functional, and spatial information, amino acid conservation, physicochemical variation, residue mobility, and thermodynamic stability) has been performed for this missense variant. However, the output from this modeling did not meet the statistical confidence thresholds required to predict the impact of this variant on EYS protein function. For these reasons, this variant has been classified as Pathogenic.

Natera, Inc.
Classification: Pathogenic for Retinitis pigmentosa type 25. Last evaluated: 2025-06-30. Review status: criteria provided, single submitter. Criteria: Natera Variant Classification Schema (03/2026). Collection method: clinical testing. Allele origin: germline.
Comment: The c.2528G>A variant in EYS is a missense variant predicted to cause substitution of glycine to glutamic acid at amino acid 843. This variant is rare in the general population with a frequency below the threshold expected for the associated phenotype(s). This variant has been observed in one or more individuals affected with the associated recessive disease, as either homozygous or compound heterozygous with a second variant (PMID: 33247286). Computational prediction algorithms indicate this variant is likely to affect gene or protein function. Given the available evidence, this variant is classified as Pathogenic.

Women's Health and Genetics/Laboratory Corporation of America, LabCorp
Classification: Pathogenic for Retinitis pigmentosa. Last evaluated: 2025-04-09. Review status: criteria provided, single submitter. Criteria: LabCorp Variant Classification Summary - May 2015. Collection method: clinical testing. Allele origin: germline.
Comment: Variant summary: EYS c.2528G>A (p.Gly843Glu) results in a non-conservative amino acid change in the encoded protein sequence. Five of five in-silico tools predict a damaging effect of the variant on protein function. The variant allele was found at a frequency of 0.00025 in 1551158 control chromosomes, predominantly at a frequency of 0.0093 within the East Asian subpopulation in the gnomAD database, including 2 homozygotes. The observed variant frequency within East Asian control individuals in the gnomAD database is approximately 2.72 fold of the estimated maximal expected allele frequency for a pathogenic variant in EYS causing Retinitis Pigmentosa phenotype (0.0034). However, multiple studies have demonstrated that c.2528G>A is found in many more affected individuals than controls in the homozygous or compound heterozygous state who have EYS-related retinal dystrophy and/or Retinitis Pigmentosa (example, Nishiguchi_2021, Yang_2020), including multiple families where it segregated with disease. These data indicate that the variant is very likely to be associated with disease and may be a Japanese founder variant. At least one publication reports experimental evidence evaluating an impact on protein function. The most pronounced variant effect results in 30%-50% of normal activity in vitro (example, Nishiguchi_2021). The following publications have been ascertained in the context of this evaluation (PMID: 33514863, 32218477). ClinVar contains an entry for this variant (Variation ID: 636026). Based on the evidence outlined above, the variant was classified as a pathogenic, possibly hypomorphic founder allele in East Asian subpopulations.

Laboratorio de Genetica e Diagnostico Molecular, Hospital Israelita Albert Einstein
Classification: Pathogenic for Retinitis pigmentosa 25. Last evaluated: 2025-04-04. Review status: criteria provided, single submitter. Criteria: ACMG Guidelines, 2015. Collection method: clinical testing. Allele origin: germline. Affected: yes.
Comment: ACMG classification criteria: PS3 supporting, PM3 strong, PP1 strong, PP3 supporting

Revvity Omics, Revvity
Classification: Pathogenic for Retinitis pigmentosa 25. Last evaluated: 2025-02-24. Review status: criteria provided, single submitter. Criteria: ACMG Guidelines, 2015. Collection method: clinical testing. Allele origin: germline.

PreventionGenetics, part of Exact Sciences
Classification: Pathogenic for EYS-related condition. Last evaluated: 2024-12-20. Review status: criteria provided, single submitter. Criteria: ACMG Guidelines, 2015. Collection method: clinical testing. Allele origin: germline.
Comment: The EYS c.2528G>A variant is predicted to result in the amino acid substitution p.Gly843Glu. This variant has been reported in the compound heterozygous or homozygous states or along with a second EYS variant (phase not confirmed) in multiple individuals with retinitis pigmentosa (for example, Iwanami et al. 2019. PubMed ID: 31814702; Supplemental Table 1, Maeda et al. 2018. PubMed ID: 29785639; Table S4, Panneman. 2023. PubMed ID: 36819107). This variant has segregated in the compound heterozygous state in two unrelated families with retinitis pigmentosa (Iwanami. 2019. PubMed ID: 31814702). Functional studies in zebrafish revealed that the p.Gly843Glu substitution decreases protein function (Nishiguchi et al. 2021. PubMed ID: 33514863). This variant is present in 0.037% of alleles in individuals of East Asian descent in gnomAD. This variant is interpreted as pathogenic.

Blueprint Genetics
Classification: Pathogenic for EYS-related disorders. Last evaluated: 2024-11-15. Review status: criteria provided, single submitter. Criteria: ACMG Guidelines, 2015. Collection method: clinical testing. Allele origin: germline. Affected: yes. Observed: 5 variant alleles.

NM_001142800.2(EYS):c.2528G>A (p.Gly843Glu)

Gene: EYS (EGF-like photoreceptor maintenance factor; minus strand). Cytogenetic location: 6q12.
Variant type: single nucleotide variant.
Coding change: c.2528G>A on transcript NM_001142800.2 (MANE Select); coding-DNA position 2528, G replaced by A.
Protein change: p.Gly843Glu; replaces glycine 843 with glutamic acid.
Molecular consequence: missense variant.
Genome position (GRCh38, 1-based): chr6:64,912,597, C>T on the plus strand (G>A on the coding strand, the complement: EYS is on the minus strand). VCF-style: chr6-64912597-C-T. GRCh37 (hg19) VCF-style: chr6-65622490-C-T.
Other names: c.2528G>A, p.Gly843Glu (NM_001292009.2); short protein forms G843E.
Identifiers: ClinVar variation 636026 (VCV000636026.38), dbSNP rs74419361, ClinGen allele CA140380276.
Genomic context (GRCh38, chr6:64,912,597, plus strand): 5'-TTGTTTCTGCAAGGGTTATGAAGTAGGTCACAAAGGTTATAGCGTTGGTGGCAAAATTGT[C>T]CAGTATAAAGGGGTGGGCACAGACATACAAATTGTCCAGGGATGGTAGATTCATGACAAA-3'
Protein context (NP_001136272.1, residues 833-853): FVCLCPPLYT[Gly843Glu]QFCHQRYNLC